The following is an entry in ClinVar:

ClinVar aggregate classification (germline): Pathogenic/Likely pathogenic. Review status: criteria provided, multiple submitters, no conflicts (2 of 4 stars). 5 submissions from 5 submitters: Pathogenic (2); Likely pathogenic (3). Last evaluated 2025-02-10.

Conditions:
Glycogen storage disease IV, classic hepatic. Also called: GSD IV, CLASSIC HEPATIC. Identifiers: MedGen C1856301.
Glycogen storage disease, type IV (GSD4). Also called: GBE1 DEFICIENCY; GLYCOGEN BRANCHING ENZYME DEFICIENCY; GLYCOGENOSIS IV; GSD IV; AMYLOPECTINOSIS; ANDERSEN DISEASE. Identifiers: Orphanet 367, MedGen C0017923, MONDO:0009292, OMIM 232500.
Adult polyglucosan body disease (APBN). Also called: POLYGLUCOSAN BODY DISEASE, ADULT FORM; GBE1-Adult Polyglucosan Body Disease. Identifiers: Orphanet 206583, MedGen C1849722, MONDO:0009897, OMIM 263570.

gnomAD v4.1: 5 of 1,609,352 alleles (0.00031%); highest among the groups gnomAD compares: Admixed American, 0.0067%; no homozygotes.

Submissions (5):

Labcorp Genetics (formerly Invitae), Labcorp
Classification: Pathogenic for Glycogen storage disease, type IV; Glycogen storage disease IV, classic hepatic. Last evaluated: 2025-02-10. Review status: criteria provided, single submitter. Criteria: Invitae Variant Classification Sherloc (09022015). Collection method: clinical testing. Allele origin: germline.
Comment: This sequence change creates a premature translational stop signal (p.Glu609*) in the GBE1 gene. It is expected to result in an absent or disrupted protein product. Loss-of-function variants in GBE1 are known to be pathogenic (PMID: 15452297, 20058079). This variant is present in population databases (rs772802187, gnomAD 0.009%). This variant has not been reported in the literature in individuals affected with GBE1-related conditions. ClinVar contains an entry for this variant (Variation ID: 1341385). Algorithms developed to predict the effect of variants on gene product structure and function are not available or were not evaluated for this variant. Experimental studies have shown that this premature translational stop signal affects GBE1 function (PMID: 21075835). Algorithms developed to predict the effect of sequence changes on RNA splicing suggest that this variant may disrupt the consensus splice site. For these reasons, this variant has been classified as Pathogenic.

Natera, Inc.
Classification: Likely pathogenic for Glycogen storage disease type IV. Last evaluated: 2024-08-05. Review status: criteria provided, single submitter. Criteria: Natera Variant Classification Schema (03/2026). Collection method: clinical testing. Allele origin: germline.
Comment: The c.1825G>T variant in GBE1 is a nonsense variant predicted to introduce a stop codon at amino acid 609. This variant is expected to result in nonsense mediated decay, truncation, or a dysfunctional protein product. This variant is rare in the general population with a frequency below the threshold expected for the associated phenotype(s). Functional studies show that this variant may disrupt protein function (PMID: 21075835). Given the available evidence, this variant is classified as Likely Pathogenic.

Fulgent Genetics
Classification: Likely pathogenic for Glycogen storage disease, type IV; Adult polyglucosan body disease. Last evaluated: 2024-06-20. Review status: criteria provided, single submitter. Criteria: ACMG Guidelines, 2015. Collection method: clinical testing. Allele origin: germline.

Baylor Genetics
Classification: Likely pathogenic for Glycogen storage disease, type IV. Last evaluated: 2023-03-20. Review status: criteria provided, single submitter. Criteria: ACMG Guidelines, 2015. Collection method: clinical testing. Allele origin: unknown.

Broad Center for Mendelian Genomics, Broad Institute of MIT and Harvard
Classification: Pathogenic for Glycogen storage disease, type IV. Last evaluated: 2022-01-27. Review status: criteria provided, single submitter. Criteria: ACMG Guidelines, 2015. Collection method: curation. Allele origin: germline. Inheritance: Autosomal recessive inheritance.
Comment: The p.Glu609Ter variant in GBE1 has not been previously reported in the literature in individuals with GBE1-related disorders but has been identified in 0.009% (3/33374) of Latino/Admixed American chromosomes by the Genome Aggregation Database (gnomAD; dbSNP ID: rs772802187). Although this variant has been seen in the general population in a heterozygous state, its frequency is low enough to be consistent with a recessive carrier frequency. Animal models in mice have shown that this variant causes GBE1-related disorder (PMID: 21075835). This nonsense variant leads to a premature termination codon at position 609, which is predicted to lead to a truncated or absent protein. Loss of function of the GBE1 gene is an established disease mechanism in autosomal recessive GBE1-related disorders. In summary, this variant meets criteria to be classified as pathogenic for GBE1-related disorders. ACMG/AMP Criteria applied: PVS1, PM2_supporting, PS3 (Richards 2015).

Literature cited by the submitters: PubMed 15452297 (cited by Labcorp Genetics (formerly Invitae), Labcorp); PubMed 20058079 (cited by Labcorp Genetics (formerly Invitae), Labcorp); PubMed 21075835 (cited by 3 submitters).

NM_000158.4(GBE1):c.1825G>T (p.Glu609Ter)

Gene: GBE1 (1,4-alpha-glucan branching enzyme 1; minus strand). Cytogenetic location: 3p12.2.
Variant type: single nucleotide variant.
Coding change: c.1825G>T on transcript NM_000158.4 (MANE Select); coding-DNA position 1825, G replaced by T.
Protein change: p.Glu609Ter; replaces glutamic acid 609 with a stop codon.
Molecular consequence: nonsense.
Genome position (GRCh38, 1-based): chr3:81,535,304, C>A on the plus strand (G>T on the coding strand, the complement: GBE1 is on the minus strand). VCF-style: chr3-81535304-C-A. GRCh37 (hg19) VCF-style: chr3-81584455-C-A.
Other names: NM_000158.4:c.1825G>T; c.1825G>T (NM_000158.3); short protein forms E609*.
Identifiers: ClinVar variation 1341385 (VCV001341385.9), dbSNP rs772802187, ClinGen allele CA2499543.